The following is an entry in ClinVar:

ClinVar aggregate classification (germline): Likely benign. Review status: criteria provided, multiple submitters, no conflicts (2 of 4 stars). 2 submissions from 2 submitters: Likely benign (2). Last evaluated 2026-01-12.

Conditions:
PCNT-related disorder. Also called: PCNT-related condition.

Submissions (2):

PreventionGenetics, part of Exact Sciences
Classification: Likely benign for PCNT-related condition. Last evaluated: 2026-01-12. Review status: criteria provided, single submitter. Criteria: ACMG Guidelines, 2015. Collection method: clinical testing. Allele origin: germline.
Comment: This variant is classified as likely benign based on ACMG/AMP sequence variant interpretation guidelines (Richards et al. 2015 PMID: 25741868, with internal and published modifications).

Labcorp Genetics (formerly Invitae), Labcorp
Classification: Likely benign. Last evaluated: 2024-05-14. Review status: criteria provided, single submitter. Criteria: Invitae Variant Classification Sherloc (09022015). Collection method: clinical testing. Allele origin: germline.

NM_006031.6(PCNT):c.2880G>A (p.Leu960=)

Gene: PCNT (pericentrin; plus strand). Cytogenetic location: 21q22.3.
Variant type: single nucleotide variant.
Coding change: c.2880G>A on transcript NM_006031.6 (MANE Select); coding-DNA position 2880, G replaced by A.
Protein change: p.Leu960=; no amino-acid change (leucine 960 retained).
Molecular consequence: synonymous variant.
Genome position (GRCh38, 1-based): chr21:46,366,854, G>A. VCF-style: chr21-46366854-G-A. GRCh37 (hg19) VCF-style: chr21-47786769-G-A.
Other names: c.2880G>A (NM_006031.5); c.2526G>A, p.Leu842= (NM_001315529.2).
Identifiers: ClinVar variation 3614451 (VCV003614451.3).